The following is an entry in ClinVar:

NM_001378454.1(ALMS1):c.8279C>G (p.Pro2760Arg)

Gene: ALMS1 (ALMS1 centrosome and basal body associated protein; plus strand). Cytogenetic location: 2p13.1.
Variant type: single nucleotide variant.
Coding change: c.8279C>G on transcript NM_001378454.1 (MANE Select); coding-DNA position 8279, C replaced by G.
Protein change: p.Pro2760Arg; replaces proline 2760 with arginine.
Molecular consequence: missense variant.
Genome position (GRCh38, 1-based): chr2:73,490,238, C>G. VCF-style: chr2-73490238-C-G. GRCh37 (hg19) VCF-style: chr2-73717365-C-G.
Other names: c.8282C>G, p.Pro2761Arg (NM_015120.4); short protein forms P2760R, P2761R.
Identifiers: ClinVar variation 1762735 (VCV001762735.2), dbSNP rs754707930, ClinGen allele CA1714437.

ClinVar aggregate classification (germline): Uncertain significance (1 of 4 stars; one submission).

Conditions:
Cardiovascular phenotype. Identifiers: MedGen CN230736.

gnomAD v4.1: 2 of 1,614,074 alleles (0.00012%); highest among the groups gnomAD compares: Non-Finnish European, 0.00017%; no homozygotes.

Submission:

Ambry Genetics
Classification: Uncertain significance for Cardiovascular phenotype. Last evaluated: 2021-06-01. Review status: criteria provided, single submitter. Criteria: Ambry Variant Classification Scheme 2023. Collection method: clinical testing. Allele origin: germline.
Comment: The p.P2761R variant (also known as c.8282C>G), located in coding exon 10 of the ALMS1 gene, results from a C to G substitution at nucleotide position 8282. The proline at codon 2761 is replaced by arginine, an amino acid with dissimilar properties. This amino acid position is not well conserved in available vertebrate species. In addition, the in silico prediction for this alteration is inconclusive. Since supporting evidence is limited at this time, the clinical significance of this alteration remains unclear.